The following is an entry in ClinVar:

ClinVar aggregate classification (germline): Uncertain significance (1 of 4 stars; one submission).

Allele frequency attached by ClinVar (database versions not stated): gnomAD exomes below 0.00001; TOPMed below 0.00001; gnomAD 0.00001.

Submission:

CeGaT Center for Human Genetics Tuebingen
Classification: Uncertain significance. Last evaluated: 2022-05-01. Review status: criteria provided, single submitter. Criteria: CeGaT Center For Human Genetics Tuebingen Variant Classification Criteria Version 2. Collection method: clinical testing. Allele origin: germline. Affected: yes. Observed: 1 variant allele.
Comment: TIMM50: PM2, PS2:Moderate, BP4

NC_000019.10:g.39480767C>T

Gene: TIMM50 (translocase of inner mitochondrial membrane 50; plus strand). Cytogenetic location: 19q13.2.
Variant type: single nucleotide variant.
Genome position: GRCh38 VCF-style: chr19-39480767-C-T. GRCh37 (hg19) VCF-style: chr19-39971407-C-T.
Identifiers: ClinVar variation 2649838 (VCV002649838.22), dbSNP rs2079463397, ClinGen allele CA405785632.